The following is an entry in ClinVar:

NM_173842.3(IL1RN):c.206-65G>A

Gene: IL1RN (interleukin 1 receptor antagonist; plus strand). Cytogenetic location: 2q14.1.
Variant type: single nucleotide variant.
Coding change: c.206-65G>A on transcript NM_173842.3 (MANE Select); 65 bases into the intron before coding-DNA position 206, G replaced by A.
Molecular consequence: intron variant.
Genome position (GRCh38, 1-based): chr2:113,130,980, G>A. VCF-style: chr2-113130980-G-A. GRCh37 (hg19) VCF-style: chr2-113888557-G-A.
Other names: c.104-65G>A (NM_001318914.2, NM_173843.3, NM_001379360.1); c.215-65G>A (NM_173841.3); c.152-65G>A (NM_000577.5).
Identifiers: ClinVar variation 1178461 (VCV001178461.5), dbSNP rs451578, ClinGen allele CA11025327.

ClinVar aggregate classification (germline): Benign. Review status: criteria provided, multiple submitters, no conflicts (2 of 4 stars). 3 submissions from 3 submitters: Benign (3). Last evaluated 2023-11-12.

Allele frequency attached by ClinVar (database versions not stated): 1000 Genomes Project 30x 0.19066; 1000 Genomes Project 0.19469; TOPMed 0.21418; gnomAD 0.22056 and 0.22355.
gnomAD v4.1: 272,423 of 1,018,874 alleles (27%); highest among the groups gnomAD compares: Admixed American, 32%; 39,581 homozygotes.

Submissions (3):

Unidad de Genómica Garrahan, Hospital de Pediatría Garrahan
Classification: Benign. Last evaluated: 2023-11-12. Review status: criteria provided, single submitter. Criteria: ACMG Guidelines, 2015. Collection method: clinical testing. Allele origin: germline. Affected: no. Observed: 43 variant alleles.
Comment: This variant is classified as Benign based on local population frequency. This variant was detected in 45% of patients studied by a panel of primary immunodeficiencies. Number of patients: 43. Only high quality variants are reported.

GeneDx
Classification: Benign. Last evaluated: 2021-05-12. Review status: criteria provided, single submitter. Criteria: GeneDx Variant Classification Process June 2021. Collection method: clinical testing. Allele origin: germline. Affected: yes.

Breakthrough Genomics
Classification: Benign. Review status: criteria provided, single submitter. Criteria: ACMG Guidelines, 2015. Collection method: not provided. Allele origin: germline. Inheritance: Autosomal recessive inheritance. Affected: yes.